The following is an entry in ClinVar:

ClinVar aggregate classification (germline): Uncertain significance (1 of 4 stars; one submission).

Conditions:
Developmental and epileptic encephalopathy, 53. Also called: Epileptic encephalopathy, early infantile, 53. Identifiers: MedGen C4479313, MONDO:0033362, OMIM 617389.
Early-onset Parkinson disease 20. Also called: PARKINSON DISEASE 20, AUTOSOMAL RECESSIVE EARLY-ONSET. Identifiers: Orphanet 391411, MedGen C3809824, MONDO:0014233, OMIM 615530.

Allele frequency attached by ClinVar (database versions not stated): gnomAD exomes below 0.00001; ExAC 0.00001.
gnomAD v4.1: 2 of 1,614,154 alleles (0.00012%); highest among the groups gnomAD compares: Non-Finnish European, 0.00017%; no homozygotes.

Submission:

Labcorp Genetics (formerly Invitae), Labcorp
Classification: Uncertain significance for Developmental and epileptic encephalopathy, 53; Early-onset Parkinson disease 20. Last evaluated: 2025-04-23. Review status: criteria provided, single submitter. Criteria: Invitae Variant Classification Sherloc (09022015). Collection method: clinical testing. Allele origin: germline.
Comment: This sequence change replaces valine, which is neutral and non-polar, with isoleucine, which is neutral and non-polar, at codon 924 of the SYNJ1 protein (p.Val924Ile). This variant is present in population databases (rs763757097, gnomAD 0.0009%). This variant has not been reported in the literature in individuals affected with SYNJ1-related conditions. ClinVar contains an entry for this variant (Variation ID: 581736). Invitae Evidence Modeling of protein sequence and biophysical properties (such as structural, functional, and spatial information, amino acid conservation, physicochemical variation, residue mobility, and thermodynamic stability) indicates that this missense variant is not expected to disrupt SYNJ1 protein function with a negative predictive value of 80%. In summary, the available evidence is currently insufficient to determine the role of this variant in disease. Therefore, it has been classified as a Variant of Uncertain Significance.

NM_203446.3(SYNJ1):c.2653G>A (p.Val885Ile)

Gene: SYNJ1 (synaptojanin 1; minus strand). Cytogenetic location: 21q22.11.
Variant type: single nucleotide variant.
Coding change: c.2653G>A on transcript NM_203446.3 (MANE Select); coding-DNA position 2653, G replaced by A.
Protein change: p.Val885Ile; replaces valine 885 with isoleucine.
Molecular consequence: missense variant.
Genome position (GRCh38, 1-based): chr21:32,656,829, C>T on the plus strand (G>A on the coding strand, the complement: SYNJ1 is on the minus strand). VCF-style: chr21-32656829-C-T. GRCh37 (hg19) VCF-style: chr21-34029139-C-T.
Other names: c.2653G>A, p.Val885Ile (NM_001160302.2); c.2638G>A, p.Val880Ile (NM_001160306.2); c.2770G>A, p.Val924Ile (NM_003895.4); short protein forms V924I, V880I, V885I.
Identifiers: ClinVar variation 581736 (VCV000581736.9), dbSNP rs763757097, ClinGen allele CA10003606.